The following is an entry in ClinVar:

ClinVar aggregate classification (germline): Pathogenic/Likely pathogenic. Review status: criteria provided, multiple submitters, no conflicts (2 of 4 stars). 2 submissions from 2 submitters: Pathogenic (1); Likely pathogenic (1). Last evaluated 2025-12-23.

Conditions:
Familial cutaneous telangiectasia and oropharyngeal predisposition cancer syndrome. Identifiers: Orphanet 313846, MedGen C3281203, MONDO:0013806, OMIM 614564.
Seckel syndrome 1 (SCKL1). Also called: MICROCEPHALIC PRIMORDIAL DWARFISM I. Identifiers: Orphanet 808, MedGen C4551474, MONDO:0008869, OMIM 210600.

gnomAD v4.1: 3 of 1,612,658 alleles (0.00019%); highest among the groups gnomAD compares: Non-Finnish European, 0.00025%; no homozygotes.

Submissions (2):

Labcorp Genetics (formerly Invitae), Labcorp
Classification: Pathogenic. Last evaluated: 2025-12-23. Review status: criteria provided, single submitter. Criteria: Invitae Variant Classification Sherloc (09022015). Collection method: clinical testing. Allele origin: germline.
Comment: This sequence change creates a premature translational stop signal (p.Arg1183*) in the ATR gene. It is expected to result in an absent or disrupted protein product. Loss-of-function variants in ATR are known to be pathogenic (PMID: 21228398, 23144622). This variant is not present in population databases (gnomAD no frequency). This premature translational stop signal has been observed in individual(s) with clinical features of ATR-related conditions (PMID: 36113475, 36978154). For these reasons, this variant has been classified as Pathogenic.

Juno Genomics, Hangzhou Juno Genomics, Inc
Classification: Likely pathogenic for Seckel syndrome 1; Familial cutaneous telangiectasia and oropharyngeal predisposition cancer syndrome. Review status: criteria provided, single submitter. Criteria: ACMG Guidelines, 2015. Collection method: clinical testing. Allele origin: germline.
Comment: Absent from controls (or at extremely low frequency if recessive) in Genome Aggregation Database.;Null variant in a gene where loss of function (LOF) is a known mechanism of disease.

Literature cited by the submitters: PubMed 21228398 (cited by Labcorp Genetics (formerly Invitae), Labcorp); PubMed 23144622 (cited by Labcorp Genetics (formerly Invitae), Labcorp); PubMed 36113475 (cited by Labcorp Genetics (formerly Invitae), Labcorp); PubMed 36978154 (cited by Labcorp Genetics (formerly Invitae), Labcorp).

NM_001184.4(ATR):c.3547C>T (p.Arg1183Ter)

Gene: ATR (ATR checkpoint kinase; minus strand). Cytogenetic location: 3q23.
Variant type: single nucleotide variant.
Coding change: c.3547C>T on transcript NM_001184.4 (MANE Select); coding-DNA position 3547, C replaced by T.
Protein change: p.Arg1183Ter; replaces arginine 1183 with a stop codon.
Molecular consequence: nonsense.
Genome position (GRCh38, 1-based): chr3:142,540,938, G>A on the plus strand (C>T on the coding strand, the complement: ATR is on the minus strand). VCF-style: chr3-142540938-G-A. GRCh37 (hg19) VCF-style: chr3-142259780-G-A.
Other names: c.3355C>T, p.Arg1119Ter (NM_001354579.2); short protein forms R1119*, R1183*.
Identifiers: ClinVar variation 4743229 (VCV004743229.3).